The following is an entry in ClinVar:

ClinVar aggregate classification (germline): Uncertain significance (1 of 4 stars; one submission).

Conditions:
Warts, hypogammaglobulinemia, infections, and myelokathexis. Also called: WHIM syndrome. Identifiers: MedGen C0472817, MONDO:0023880.

Allele frequency attached by ClinVar (database versions not stated): TOPMed below 0.00001.

Submission:

Labcorp Genetics (formerly Invitae), Labcorp
Classification: Uncertain significance for Warts, hypogammaglobulinemia, infections, and myelokathexis. Last evaluated: 2025-11-26. Review status: criteria provided, single submitter. Criteria: Invitae Variant Classification Sherloc (09022015). Collection method: clinical testing. Allele origin: germline.
Comment: This sequence change replaces isoleucine, which is neutral and non-polar, with threonine, which is neutral and polar, at codon 39 of the CXCR4 protein (p.Ile39Thr). This variant is not present in population databases (gnomAD no frequency). This variant has not been reported in the literature in individuals affected with CXCR4-related conditions. ClinVar contains an entry for this variant (Variation ID: 2868961). An algorithm developed to predict the effect of missense changes on protein structure and function (PolyPhen-2) suggests that this variant is likely to be tolerated. In summary, the available evidence is currently insufficient to determine the role of this variant in disease. Therefore, it has been classified as a Variant of Uncertain Significance.

NM_003467.3(CXCR4):c.116T>C (p.Ile39Thr)

Gene: CXCR4 (C-X-C motif chemokine receptor 4; minus strand). Cytogenetic location: 2q22.1.
Variant type: single nucleotide variant.
Coding change: c.116T>C on transcript NM_003467.3 (MANE Select); coding-DNA position 116, T replaced by C.
Protein change: p.Ile39Thr; replaces isoleucine 39 with threonine.
Molecular consequence: missense variant.
Genome position (GRCh38, 1-based): chr2:136,115,812, A>G on the plus strand (T>C on the coding strand, the complement: CXCR4 is on the minus strand). VCF-style: chr2-136115812-A-G. GRCh37 (hg19) VCF-style: chr2-136873382-A-G.
Other names: c.215T>C, p.Ile72Thr (NM_001348059.2); c.71T>C, p.Ile24Thr (NM_001348060.2); c.128T>C, p.Ile43Thr (NM_001008540.2); c.329T>C, p.Ile110Thr (NM_001348056.2); short protein forms I110T, I43T, I72T, I24T, I39T.
Identifiers: ClinVar variation 2868961 (VCV002868961.3), dbSNP rs1684871649, ClinGen allele CA348660090.